The following is an entry in ClinVar:

ClinVar aggregate classification (germline): Uncertain significance (1 of 4 stars; one submission).

Allele frequency attached by ClinVar (database versions not stated): gnomAD 0.00029; TOPMed 0.00031; ExAC 0.00036; gnomAD exomes 0.00042; ESP Exome Variant Server 0.00046; 1000 Genomes Project 0.00060; 1000 Genomes Project 30x 0.00078.
gnomAD v4.1: 659 of 1,613,848 alleles (0.041%); highest among the groups gnomAD compares: Non-Finnish European, 0.052%; 1 homozygote.

Submission:

CeGaT Center for Human Genetics Tuebingen
Classification: Uncertain significance. Last evaluated: 2026-09-01. Review status: criteria provided, single submitter. Criteria: CeGaT Center For Human Genetics Tuebingen Variant Classification Criteria Version 2. Collection method: clinical testing. Allele origin: germline. Affected: yes. Observed: 3 variant alleles.
Comment: LTBP1: PM2:Supporting, PP3

NM_206943.4(LTBP1):c.2056G>A (p.Gly686Arg)

Gene: LTBP1 (latent transforming growth factor beta binding protein 1; plus strand). Cytogenetic location: 2p22.3.
Variant type: single nucleotide variant.
Coding change: c.2056G>A on transcript NM_206943.4 (MANE Select); coding-DNA position 2056, G replaced by A.
Protein change: p.Gly686Arg; replaces glycine 686 with arginine.
Molecular consequence: missense variant.
Genome position (GRCh38, 1-based): chr2:33,252,733, G>A. VCF-style: chr2-33252733-G-A. GRCh37 (hg19) VCF-style: chr2-33477800-G-A.
Other names: c.1078G>A, p.Gly360Arg (NM_001394913.1, NM_001394914.1, NM_001394915.1 and 21 more transcripts); c.835G>A, p.Gly279Arg (NM_001394916.1); c.2056G>A, p.Gly686Arg (NM_001394905.1); short protein forms G279R, G360R, G686R.
Identifiers: ClinVar variation 3025260 (VCV003025260.22), dbSNP rs189389247, ClinGen allele CA1607262.
Genomic context (GRCh38, chr2:33,252,733, plus strand): 5'-TCAGCTGATCCCCCTGTGATCTCGGAAGAGAAAGGGCCCTGTTACCGACTTGTCAGTTCT[G>A]GAAGACAGTGTATGCACCCTCTGTCTGTTCACCTCACCAAGCAGCTCTGCTGTTGTAGTG-3'
Protein context (NP_996826.3, residues 676-696): KGPCYRLVSS[Gly686Arg]RQCMHPLSVH